The following is an entry in ClinVar:

NM_000548.5(TSC2):c.3163G>T (p.Gly1055Cys)

Gene: TSC2 (TSC complex subunit 2; plus strand). Cytogenetic location: 16p13.3.
Variant type: single nucleotide variant.
Coding change: c.3163G>T on transcript NM_000548.5 (MANE Select); coding-DNA position 3163, G replaced by T.
Protein change: p.Gly1055Cys; replaces glycine 1055 with cysteine.
Molecular consequence: missense variant. On other transcripts: non-coding transcript variant (5).
Genome position (GRCh38, 1-based): chr16:2,079,307, G>T. VCF-style: chr16-2079307-G-T. GRCh37 (hg19) VCF-style: chr16-2129308-G-T.
Other names: c.1819G>T, p.Gly607Cys (NM_001406689.1); c.1690G>T, p.Gly564Cys (NM_001406690.1, NM_001406692.1, NM_001406693.1 and 1 more transcripts); c.1687G>T, p.Gly563Cys (NM_001406691.1, NM_001406695.1, NM_001406696.1 and 1 more transcripts); c.2431G>T, p.Gly811Cys (NM_001406688.1, NM_001318831.2, NM_001406687.1); c.2887G>T, p.Gly963Cys (NM_001318829.2); c.3064G>T, p.Gly1022Cys (NM_001318832.2); c.3034G>T, p.Gly1012Cys (NM_001363528.2, NM_001370405.1, NM_021055.3); c.3031G>T, p.Gly1011Cys (NM_001370404.1, NM_001406665.1, NM_001077183.3); and 18 more; short protein forms G1007C, G1018C, G1042C, G1055C, G477C, G563C, G1005C, G1006C.
Identifiers: ClinVar variation 3637216 (VCV003637216.2).

ClinVar aggregate classification (germline): Uncertain significance (1 of 4 stars; one submission).

Conditions:
Tuberous sclerosis 2 (TSC2). Identifiers: Orphanet 805, MedGen C1860707, MONDO:0013199, OMIM 613254.

Submission:

Labcorp Genetics (formerly Invitae), Labcorp
Classification: Uncertain significance for Tuberous sclerosis 2. Last evaluated: 2024-12-18. Review status: criteria provided, single submitter. Criteria: Invitae Variant Classification Sherloc (09022015). Collection method: clinical testing. Allele origin: germline.
Comment: This sequence change replaces glycine, which is neutral and non-polar, with cysteine, which is neutral and slightly polar, at codon 1055 of the TSC2 protein (p.Gly1055Cys). This variant is not present in population databases (gnomAD no frequency). This variant has not been reported in the literature in individuals affected with TSC2-related conditions. Invitae Evidence Modeling of protein sequence and biophysical properties (such as structural, functional, and spatial information, amino acid conservation, physicochemical variation, residue mobility, and thermodynamic stability) indicates that this missense variant is expected to disrupt TSC2 protein function with a positive predictive value of 95%. In summary, the available evidence is currently insufficient to determine the role of this variant in disease. Therefore, it has been classified as a Variant of Uncertain Significance.